The following is an entry in ClinVar:

ClinVar aggregate classification (germline): Uncertain significance. Review status: criteria provided, multiple submitters, no conflicts (2 of 4 stars). 2 submissions from 2 submitters: Uncertain significance (2). Last evaluated 2025-04-17.

Conditions:
Cardiovascular phenotype. Identifiers: MedGen CN230736.
Marfan syndrome (MFS). Also called: MARFAN SYNDROME, TYPE I; FBN1-Related Marfan Syndrome; Marfan syndrome, classic; Marfan syndrome type 1; Marfan's syndrome. Identifiers: Orphanet 284963, Orphanet 558, MedGen C0024796, MONDO:0007947, OMIM 154700.
Familial thoracic aortic aneurysm and aortic dissection (TAAD). Also called: Thoracic aortic aneurysms and dissections. Identifiers: Orphanet 91387, MedGen C4707243, MONDO:0019625.

Allele frequency attached by ClinVar (database versions not stated): gnomAD exomes below 0.00001.
gnomAD v4.1: 1 of 1,613,634 alleles (0.000062%); highest among the groups gnomAD compares: Non-Finnish European, 0.000085%; no homozygotes.

Submissions (2):

Labcorp Genetics (formerly Invitae), Labcorp
Classification: Uncertain significance for Marfan syndrome; Familial thoracic aortic aneurysm and aortic dissection. Last evaluated: 2025-04-17. Review status: criteria provided, single submitter. Criteria: Invitae Variant Classification Sherloc (09022015). Collection method: clinical testing. Allele origin: germline.
Comment: This sequence change replaces isoleucine, which is neutral and non-polar, with threonine, which is neutral and polar, at codon 2023 of the FBN1 protein (p.Ile2023Thr). This variant is not present in population databases (gnomAD no frequency). This missense change has been observed in individual(s) with clinical features of Marfan syndrome (PMID: 10464652). ClinVar contains an entry for this variant (Variation ID: 263823). Invitae Evidence Modeling of protein sequence and biophysical properties (such as structural, functional, and spatial information, amino acid conservation, physicochemical variation, residue mobility, and thermodynamic stability) has been performed for this missense variant. However, the output from this modeling did not meet the statistical confidence thresholds required to predict the impact of this variant on FBN1 protein function. In summary, the available evidence is currently insufficient to determine the role of this variant in disease. Therefore, it has been classified as a Variant of Uncertain Significance.

Ambry Genetics
Classification: Uncertain significance for Cardiovascular phenotype. Last evaluated: 2014-03-05. Review status: criteria provided, single submitter. Criteria: Ambry Autosomal Dominant and X-Linked criteria (10/2015). Collection method: clinical testing. Allele origin: germline. Observed: 1 variant allele.
Comment: The p.I2023T variant (also known as c.6068T>C), located in coding exon 49 of the FBN1 gene in the cb EGF-like #31 domain, results from a T to C substitution at nucleotide position 6068. The isoleucine at codon 2023 is replaced by threonine, an amino acid with some similar properties. This alteration was reported in a study of patients screened for FBN1 mutations with either definitive Marfan syndrome or related phenotypes (Liu WO et al. Genet Test. 1997-1998;1(4):237-242), however a detailed phenotype of the patient identified with this alteration was not reported. This variant was also previously reported in the SNPDatabase as rs363803. This variant was not reported in population-based cohorts in the following databases: NHLBI Exome Sequencing Project (ESP) and 1000 Genomes Project. Based on protein sequence alignment, this amino acid position is conserved in available vertebrate species except for tenrec and lamprey. In addition, this alteration is predicted to be deleterious by in silico analysis. Since supporting evidence is limited at this time, the clinical significance of this variant remains unclear.

Literature cited by the submitters: PubMed 10464652 (cited by Labcorp Genetics (formerly Invitae), Labcorp and Ambry Genetics).

NM_000138.5(FBN1):c.6068T>C (p.Ile2023Thr)

Gene: FBN1 (fibrillin 1; minus strand). Cytogenetic location: 15q21.1.
Variant type: single nucleotide variant.
Coding change: c.6068T>C on transcript NM_000138.5 (MANE Select); coding-DNA position 6068, T replaced by C.
Protein change: p.Ile2023Thr; replaces isoleucine 2023 with threonine.
Molecular consequence: missense variant.
Genome position (GRCh38, 1-based): chr15:48,441,816, A>G on the plus strand (T>C on the coding strand, the complement: FBN1 is on the minus strand). VCF-style: chr15-48441816-A-G. GRCh37 (hg19) VCF-style: chr15-48734013-A-G.
Other names: short protein forms I2023T.
Identifiers: ClinVar variation 263823 (VCV000263823.4), dbSNP rs363803, ClinGen allele CA10587801.